The following is an entry in ClinVar:

NM_000179.3(MSH6):c.3742C>T (p.His1248Tyr)

Gene: MSH6 (mutS homolog 6; plus strand). Cytogenetic location: 2p16.3.
Variant type: single nucleotide variant.
Coding change: c.3742C>T on transcript NM_000179.3 (MANE Select); coding-DNA position 3742, C replaced by T.
Protein change: p.His1248Tyr; replaces histidine 1248 with tyrosine.
Molecular consequence: missense variant.
Genome position (GRCh38, 1-based): chr2:47,806,299, C>T. VCF-style: chr2-47806299-C-T. GRCh37 (hg19) VCF-style: chr2-48033438-C-T.
Other names: c.3352C>T, p.His1118Tyr (NM_001281492.2); c.2836C>T, p.His946Tyr (NM_001281493.2, NM_001281494.2); short protein forms H1248Y, H946Y, H1118Y.
Identifiers: ClinVar variation 231211 (VCV000231211.28), dbSNP rs63750882, ClinGen allele CA071942.

ClinVar aggregate classification (germline): Conflicting classifications of pathogenicity. Review status: criteria provided, conflicting classifications (1 of 4 stars). 8 submissions from 8 submitters: Uncertain significance (7); Likely benign (1). Last evaluated 2026-08-28.

Conditions:
Endometrial carcinoma. Also called: Endometrial carcinoma, somatic. Identifiers: MedGen C0476089, MONDO:0002447, OMIM 608089, HP:0012114.
Lynch syndrome 5 (LYNCH5). Also called: Colorectal cancer, hereditary nonpolyposis, type 5; Hereditary non-polyposis colorectal cancer, type 5. Identifiers: Orphanet 144, MedGen C1833477, MONDO:0013710, OMIM 614350. Disease mechanism: loss of function.
Mismatch repair cancer syndrome 3. Identifiers: MedGen C5436807, MONDO:0030841, OMIM 619097.
Hereditary nonpolyposis colorectal neoplasms. Identifiers: MedGen C0009405, MeSH D003123.
Hereditary cancer-predisposing syndrome. Also called: Tumor predisposition; Neoplastic Syndromes, Hereditary; Hereditary Cancer Syndrome; Hereditary neoplastic syndrome. Identifiers: Orphanet 140162, MedGen C0027672, MeSH D009386, MONDO:0015356.
Lynch syndrome. Identifiers: Orphanet 144, MedGen C4552100, MONDO:0005835. Disease mechanism: loss of function.

Allele frequency attached by ClinVar (database versions not stated): gnomAD 0.00001; TOPMed 0.00001; ExAC 0.00002; gnomAD exomes below 0.00001.
gnomAD v4.1: 9 of 1,613,936 alleles (0.00056%); highest among the groups gnomAD compares: African/African-American, 0.0013%; no homozygotes.

Submissions (8):

Ambry Genetics
Classification: Uncertain significance for Hereditary cancer-predisposing syndrome. Last evaluated: 2026-08-28. Review status: criteria provided, single submitter. Criteria: Ambry Variant Classification Scheme 2023. Collection method: clinical testing. Allele origin: germline.
Comment: The p.H1248Y variant (also known as c.3742C>T), located in coding exon 8 of the MSH6 gene, results from a C to T substitution at nucleotide position 3742. The histidine at codon 1248 is replaced by tyrosine, an amino acid with similar properties. This amino acid position is highly conserved in available vertebrate species. In addition, this alteration is predicted to be deleterious by in silico analysis. Based on the available evidence, the clinical significance of this variant remains unclear.

Labcorp Genetics (formerly Invitae), Labcorp
Classification: Likely benign for Hereditary nonpolyposis colorectal neoplasms. Last evaluated: 2026-02-01. Review status: criteria provided, single submitter. Criteria: Invitae Variant Classification Sherloc (09022015). Collection method: clinical testing. Allele origin: germline.

Baylor Genetics
Classification: Uncertain significance for Endometrial carcinoma. Last evaluated: 2024-03-19. Review status: criteria provided, single submitter. Criteria: ACMG Guidelines, 2015. Collection method: clinical testing. Allele origin: unknown.

All of Us Research Program, National Institutes of Health
Classification: Uncertain significance for Lynch syndrome. Last evaluated: 2023-05-31. Review status: criteria provided, single submitter. Criteria: ACMG Guidelines, 2015. Collection method: clinical testing. Allele origin: germline. Inheritance: Autosomal dominant inheritance. Observed: 2 variant alleles, 2 heterozygotes.
Comment: This study involves interpretation of variants in research participants for the purpose of population health screening. Participant phenotype was not available at the time of variant classification. Additional details can be found in publication PMID: 35346344, PMCID: PMC8962531

Color Diagnostics, LLC DBA Color Health
Classification: Uncertain significance for Hereditary cancer-predisposing syndrome. Last evaluated: 2022-11-16. Review status: criteria provided, single submitter. Criteria: ACMG Guidelines, 2015. Collection method: clinical testing. Allele origin: germline.
Comment: This missense variant replaces histidine with tyrosine at codon 1248 of the MSH6 protein. Computational prediction suggests that this variant may have deleterious impact on protein structure and function (internally defined REVEL score threshold >= 0.7, PMID: 27666373). To our knowledge, functional studies have not been reported for this variant. This variant has been reported in an individual affected with uterine cancer (PMID: 29684080). This variant has been identified in 1/251182 chromosomes in the general population by the Genome Aggregation Database (gnomAD). The available evidence is insufficient to determine the role of this variant in disease conclusively. Therefore, this variant is classified as a Variant of Uncertain Significance.

GeneDx
Classification: Uncertain significance. Last evaluated: 2021-11-16. Review status: criteria provided, single submitter. Criteria: GeneDx Variant Classification Process June 2021. Collection method: clinical testing. Allele origin: germline. Affected: yes.
Comment: Not observed at significant frequency in large population cohorts (Lek 2016); In silico analysis supports that this missense variant has a deleterious effect on protein structure/function; Observed in an individual with endometrial cancer (Yehia 2018); This variant is associated with the following publications: (PMID: 17531815, 21120944, 29684080)

Department of Pathology and Laboratory Medicine, Sinai Health System
Classification: Uncertain significance for Endometrial carcinoma; Lynch syndrome 5; Mismatch repair cancer syndrome 3. Last evaluated: 2020-02-07. Review status: criteria provided, single submitter. Criteria: ACMG Guidelines, 2015. Collection method: clinical testing. Allele origin: germline. Affected: no.

Center for Genomics, Ann and Robert H. Lurie Children's Hospital of Chicago
Classification: Uncertain significance for Lynch syndrome 5; Mismatch repair cancer syndrome 3; Endometrial carcinoma. Review status: criteria provided, single submitter. Criteria: ACMG Guidelines, 2015. Collection method: clinical testing. Allele origin: germline.
Comment: This variant has not been reported in the literature in association with disease. This variant is present in the Genome Aggregation Database (Highest reported MAF: 0.002% [1/41470]) and in ClinVar, with multiple laboratories classifying it as of uncertain significance (Variation ID:231211). Evolutionary conservation and computational predictive tools suggest that this variant may impact the protein. A different variant at the same amino acid position (p.His1248Asp) has been reported in association with suspected Lynch syndrome and was found to be damaging to the protein in an in silico functional study (Berends 2002 PMID:11709755; Cyr 2008 PMID:18790734). In summary, data on this variant is insufficient for disease classification. Therefore, the clinical significance of this variant is uncertain.

Literature cited by the submitters: PubMed 29684080 (cited by Color Diagnostics, LLC DBA Color Health).